The following is an entry in ClinVar:

NM_000396.4(CTSK):c.686del (p.Glu229fs)

Gene: CTSK (cathepsin K; minus strand). Cytogenetic location: 1q21.3.
Variant type: Deletion.
Coding change: c.686del on transcript NM_000396.4 (MANE Select); coding-DNA position 686, one base deleted (A; older notation c.686delA).
Protein change: p.Glu229fs; shifts the reading frame from glutamic acid 229.
Molecular consequence: frameshift variant.
Genome position (GRCh38, 1-based): chr1:150,799,642, T deleted on the plus strand (A on the coding strand, the reverse complement: CTSK is on the minus strand). VCF-style (leftmost placement, unchanged base first): chr1-150799641-CT-C. GRCh37 (hg19) VCF-style: chr1-150772117-CT-C.
Other names: short protein forms E229fs.
Identifiers: ClinVar variation 4818306 (VCV004818306.1).
Genomic context (GRCh38, chr1:150,799,641, plus strand): 5'-AATGGCCACAGAGACAGGTCCCACTCGGGCCACTGCCCTCTTCAGGGCTTTCTCATTCCC[CT>C]CGGGGATCTCTCTGTACCCTCTGCATTTAGCTGCCTTGCCTGTTGGGTTGTACATACAAC-3'

ClinVar aggregate classification (germline): Likely pathogenic (1 of 4 stars; one submission).

Conditions:
Pyknodysostosis. Also called: Pycnodysostosis. Identifiers: Orphanet 763, MedGen C0238402, MONDO:0009940, OMIM 265800.

Submission:

Natera, Inc.
Classification: Likely pathogenic for Pyknodysostosis. Last evaluated: 2025-12-30. Review status: criteria provided, single submitter. Criteria: Natera Variant Classification Schema (03/2026). Collection method: clinical testing. Allele origin: germline.
Comment: The c.686delA variant in CTSK is a frameshift variant predicted to shift the reading frame beginning at codon 229 and leads to a stop codon 7 codons downstream. This variant is expected to result in nonsense mediated decay, truncation, or a dysfunctional protein product. This variant is rare in the general population with a frequency below the threshold expected for the associated phenotype(s). Given the available evidence, this variant is classified as Likely Pathogenic.